The following is an entry in ClinVar:

ClinVar aggregate classification (germline): Benign (1 of 4 stars; one submission).

Allele frequency attached by ClinVar (database versions not stated): 1000 Genomes Project 0.04413; 1000 Genomes Project 30x 0.04497; gnomAD 0.04960 and 0.05120; TOPMed 0.05186.
gnomAD v4.1: 7,505 of 152,186 alleles (4.9%); highest among the groups gnomAD compares: African/African-American, 8.7%; 237 homozygotes.

Submission:

GeneDx
Classification: Benign. Last evaluated: 2018-06-19. Review status: criteria provided, single submitter. Criteria: GeneDx Variant Classification (06012015). Collection method: clinical testing. Allele origin: germline. Affected: yes.
Comment: This variant is considered likely benign or benign based on one or more of the following criteria: it is a conservative change, it occurs at a poorly conserved position in the protein, it is predicted to be benign by multiple in silico algorithms, and/or has population frequency not consistent with disease.

NM_005726.6(TSFM):c.484-236G>A

Gene: TSFM (Ts translation elongation factor, mitochondrial; plus strand). Cytogenetic location: 12q14.1.
Variant type: single nucleotide variant.
Coding change: c.484-236G>A on transcript NM_005726.6 (MANE Select); 236 bases into the intron before coding-DNA position 484, G replaced by A.
Molecular consequence: intron variant.
Genome position (GRCh38, 1-based): chr12:57,792,750, G>A. VCF-style: chr12-57792750-G-A. GRCh37 (hg19) VCF-style: chr12-58186533-G-A.
Other names: c.484-236G>A (NM_001172697.2); c.547-236G>A (NM_001172696.2); c.484-3427G>A (NM_001172695.2).
Identifiers: ClinVar variation 678659 (VCV000678659.1), dbSNP rs117470861, ClinGen allele CA13709823.